The following is an entry in ClinVar:

ClinVar aggregate classification (germline): Uncertain significance. Review status: criteria provided, multiple submitters, no conflicts (2 of 4 stars). 2 submissions from 2 submitters: Uncertain significance (2). Last evaluated 2025-06-27.

Conditions:
Menke-Hennekam syndrome 1 (MKHK1). Identifiers: MedGen C5193034, MONDO:0020763, OMIM 618332.
Rubinstein-Taybi syndrome due to CREBBP mutations (RSTS1). Also called: RUBINSTEIN-TAYBI SYNDROME 1, INCOMPLETE; BROAD THUMB-HALLUX SYNDROME; RUBINSTEIN SYNDROME; BROAD THUMBS AND GREAT TOES, CHARACTERISTIC FACIES, AND IMPAIRED INTELLECTUAL DEVELOPMENT; Rubinstein-Taybi syndrome 1; CREBBP-Related Rubinstein-Taybi Syndrome. Identifiers: Orphanet 353277, Orphanet 783, MedGen C4551859, MONDO:0008393, OMIM 180849.
CREBBP-related disorder. Also called: CREBBP-related disorders; CREBBP-related condition.

gnomAD v4.1: 7 of 1,614,140 alleles (0.00043%); highest among the groups gnomAD compares: Admixed American, 0.01%; no homozygotes.

Submissions (2):

PreventionGenetics, part of Exact Sciences
Classification: Uncertain significance for CREBBP-related condition. Last evaluated: 2025-06-27. Review status: criteria provided, single submitter. Criteria: ACMG Guidelines, 2015. Collection method: clinical testing. Allele origin: germline.
Comment: The CREBBP c.572G>C variant is predicted to result in the amino acid substitution p.Ser191Thr. To our knowledge, this variant has not been reported in the literature. This variant is reported in 0.012% of alleles in individuals of Latino descent in gnomAD. At this time, the clinical significance of this variant is uncertain due to the absence of conclusive functional and genetic evidence.

Fulgent Genetics
Classification: Uncertain significance for Rubinstein-Taybi syndrome due to CREBBP mutations; Menke-Hennekam syndrome 1. Last evaluated: 2024-03-13. Review status: criteria provided, single submitter. Criteria: ACMG Guidelines, 2015. Collection method: clinical testing. Allele origin: germline.

NM_004380.3(CREBBP):c.572G>C (p.Ser191Thr)

Gene: CREBBP (CREB binding lysine acetyltransferase; minus strand). Cytogenetic location: 16p13.3.
Variant type: single nucleotide variant.
Coding change: c.572G>C on transcript NM_004380.3 (MANE Select); coding-DNA position 572, G replaced by C.
Protein change: p.Ser191Thr; replaces serine 191 with threonine.
Molecular consequence: missense variant.
Genome position (GRCh38, 1-based): chr16:3,850,523, C>G on the plus strand (G>C on the coding strand, the complement: CREBBP is on the minus strand). VCF-style: chr16-3850523-C-G. GRCh37 (hg19) VCF-style: chr16-3900524-C-G.
Other names: c.572G>C (NM_004380.2); c.572G>C, p.Ser191Thr (NM_001079846.1); short protein forms S191T.
Identifiers: ClinVar variation 3580668 (VCV003580668.2).